The following is an entry in ClinVar:

ClinVar aggregate classification (germline): Uncertain significance (1 of 4 stars; one submission).

Allele frequency attached by ClinVar (database versions not stated): gnomAD 0.00001.

Submission:

GeneDx
Classification: Uncertain significance. Last evaluated: 2025-01-28. Review status: criteria provided, single submitter. Criteria: GeneDx Variant Classification Process June 2021. Collection method: clinical testing. Allele origin: germline. Affected: yes.
Comment: Not observed at significant frequency in large population cohorts (gnomAD); In silico analysis indicates that this missense variant does not alter protein structure/function; Has not been previously published as pathogenic or benign to our knowledge

NM_001080449.3(DNA2):c.163G>A (p.Val55Ile)

Gene: DNA2 (DNA replication helicase/nuclease 2; minus strand). Cytogenetic location: 10q21.3.
Variant type: single nucleotide variant.
Coding change: c.163G>A on transcript NM_001080449.3 (MANE Select); coding-DNA position 163, G replaced by A.
Protein change: p.Val55Ile; replaces valine 55 with isoleucine.
Molecular consequence: missense variant. On other transcripts: non-coding transcript variant (1).
Genome position (GRCh38, 1-based): chr10:68,470,075, C>T on the plus strand (G>A on the coding strand, the complement: DNA2 is on the minus strand). VCF-style: chr10-68470075-C-T. GRCh37 (hg19) VCF-style: chr10-70229832-C-T.
Other names: short protein forms V55I.
Identifiers: ClinVar variation 1172789 (VCV001172789.2), dbSNP rs2052367938, ClinGen allele CA376832029.